The following is an entry in ClinVar:

NM_002471.4(MYH6):c.3569C>T (p.Thr1190Ile)

Gene: MYH6 (myosin heavy chain 6; minus strand). Cytogenetic location: 14q11.2.
Variant type: single nucleotide variant.
Coding change: c.3569C>T on transcript NM_002471.4 (MANE Select); coding-DNA position 3569, C replaced by T.
Protein change: p.Thr1190Ile; replaces threonine 1190 with isoleucine.
Molecular consequence: missense variant.
Genome position (GRCh38, 1-based): chr14:23,390,220, G>A on the plus strand (C>T on the coding strand, the complement: MYH6 is on the minus strand). VCF-style: chr14-23390220-G-A. GRCh37 (hg19) VCF-style: chr14-23859429-G-A.
Other names: short protein forms T1190I.
Identifiers: ClinVar variation 312862 (VCV000312862.12), dbSNP rs759117852, ClinGen allele CA7115141.
Genomic context (GRCh38, chr14:23,390,220, plus strand): 5'-TCGATCTGCTCGCCCAGCTCGGCCACGCTGTCGGCGTGCTTCTTGCGCAGGGCCGCGGCA[G>A]TGGCCTCGTGCTGCAGCGTGGCCTCCTCCAGGTCCCGCCGCATCTTCTGGAACTCGGCCT-3'
Protein context (NP_002462.2, residues 1180-1200): LEEATLQHEA[Thr1190Ile]AAALRKKHAD

ClinVar aggregate classification (germline): Uncertain significance. Review status: criteria provided, multiple submitters, no conflicts (2 of 4 stars). 3 submissions from 3 submitters: Uncertain significance (3). Last evaluated 2026-01-26.

Conditions:
Cardiomyopathy (CMYO). Also called: Cardiomyopathies. Identifiers: Orphanet 167848, MedGen C0878544, MONDO:0004994, HP:0001638. Inheritance: Various modes of inheritance.
Hypertrophic cardiomyopathy 14. Identifiers: MedGen C2750467, MONDO:0013197, OMIM 613251.
Cardiovascular phenotype. Identifiers: MedGen CN230736.

Allele frequency attached by ClinVar (database versions not stated): gnomAD exomes 0.00002 and 0.00003; gnomAD 0.00003 and 0.00004; TOPMed 0.00004; ExAC 0.00006.
gnomAD v4.1: 54 of 1,594,690 alleles (0.0034%); highest among the groups gnomAD compares: Non-Finnish European, 0.0044%; no homozygotes.

Submissions (3):

Labcorp Genetics (formerly Invitae), Labcorp
Classification: Uncertain significance for Hypertrophic cardiomyopathy 14. Last evaluated: 2026-01-26. Review status: criteria provided, single submitter. Criteria: Invitae Variant Classification Sherloc (09022015). Collection method: clinical testing. Allele origin: germline.
Comment: This sequence change replaces threonine, which is neutral and polar, with isoleucine, which is neutral and non-polar, at codon 1190 of the MYH6 protein (p.Thr1190Ile). This variant is present in population databases (rs759117852, gnomAD 0.005%). This variant has not been reported in the literature in individuals affected with MYH6-related conditions. ClinVar contains an entry for this variant (Variation ID: 312862). Invitae Evidence Modeling of protein sequence and biophysical properties (such as structural, functional, and spatial information, amino acid conservation, physicochemical variation, residue mobility, and thermodynamic stability) indicates that this missense variant is not expected to disrupt MYH6 protein function with a negative predictive value of 80%. In summary, the available evidence is currently insufficient to determine the role of this variant in disease. Therefore, it has been classified as a Variant of Uncertain Significance.

Ambry Genetics
Classification: Uncertain significance for Cardiovascular phenotype. Last evaluated: 2024-08-19. Review status: criteria provided, single submitter. Criteria: Ambry Variant Classification Scheme 2023. Collection method: clinical testing. Allele origin: germline.
Comment: The p.T1190I variant (also known as c.3569C>T), located in coding exon 24 of the MYH6 gene, results from a C to T substitution at nucleotide position 3569. The threonine at codon 1190 is replaced by isoleucine, an amino acid with similar properties. This amino acid position is conserved. In addition, the in silico prediction for this alteration is inconclusive. Since supporting evidence is limited at this time, the clinical significance of this alteration remains unclear.

CHEO Genetics Diagnostic Laboratory, Children's Hospital of Eastern Ontario
Classification: Uncertain significance for Cardiomyopathy. Last evaluated: 2017-04-11. Review status: criteria provided, single submitter. Criteria: ACMG Guidelines, 2015. Collection method: clinical testing. Allele origin: germline. Study: Canadian Open Genetics Repository.